The following is an entry in ClinVar:

ClinVar aggregate classification (germline): Uncertain significance (1 of 4 stars; one submission).

Conditions:
Hyperphosphatasia with impaired intellectual development syndrome 2. Also called: Hyperphosphatasia with intellectual disability syndrome 2; GLYCOSYLPHOSPHATIDYLINOSITOL BIOSYNTHESIS DEFECT 6. Identifiers: Orphanet 247262, MedGen C3553637, MONDO:0013882, OMIM 614749.

gnomAD v4.1: 7 of 1,614,260 alleles (0.00043%); highest among the groups gnomAD compares: Non-Finnish European, 0.00051%; no homozygotes.

Submission:

Labcorp Genetics (formerly Invitae), Labcorp
Classification: Uncertain significance for Hyperphosphatasia with impaired intellectual development syndrome 2. Last evaluated: 2022-11-01. Review status: criteria provided, single submitter. Criteria: Invitae Variant Classification Sherloc (09022015). Collection method: clinical testing. Allele origin: germline.
Comment: This sequence change replaces alanine, which is neutral and non-polar, with glycine, which is neutral and non-polar, at codon 1007 of the PIGO protein (p.Ala1007Gly). This variant is not present in population databases (gnomAD no frequency). This variant has not been reported in the literature in individuals affected with PIGO-related conditions. Advanced modeling of protein sequence and biophysical properties (such as structural, functional, and spatial information, amino acid conservation, physicochemical variation, residue mobility, and thermodynamic stability) performed at Invitae indicates that this missense variant is not expected to disrupt PIGO protein function. In summary, the available evidence is currently insufficient to determine the role of this variant in disease. Therefore, it has been classified as a Variant of Uncertain Significance.

NM_032634.4(PIGO):c.3020C>G (p.Ala1007Gly)

Gene: PIGO (phosphatidylinositol glycan anchor biosynthesis class O; minus strand). Cytogenetic location: 9p13.3.
Variant type: single nucleotide variant.
Coding change: c.3020C>G on transcript NM_032634.4 (MANE Select); coding-DNA position 3020, C replaced by G.
Protein change: p.Ala1007Gly; replaces alanine 1007 with glycine.
Molecular consequence: missense variant.
Genome position (GRCh38, 1-based): chr9:35,090,115, G>C on the plus strand (C>G on the coding strand, the complement: PIGO is on the minus strand). VCF-style: chr9-35090115-G-C. GRCh37 (hg19) VCF-style: chr9-35090112-G-C.
Other names: c.1769C>G, p.Ala590Gly (NM_001201484.2, NM_152850.4); short protein forms A590G, A1007G.
Identifiers: ClinVar variation 2201417 (VCV002201417.4), dbSNP rs375711240, ClinGen allele CA373317615.